The following is an entry in ClinVar:

NM_015915.5(ATL1):c.570C>G (p.Leu190=)

Gene: ATL1 (atlastin GTPase 1; plus strand). Cytogenetic location: 14q22.1.
Variant type: single nucleotide variant.
Coding change: c.570C>G on transcript NM_015915.5 (MANE Select); coding-DNA position 570, C replaced by G.
Protein change: p.Leu190=; no amino-acid change (leucine 190 retained).
Molecular consequence: synonymous variant.
Genome position (GRCh38, 1-based): chr14:50,593,893, C>G. VCF-style: chr14-50593893-C-G. GRCh37 (hg19) VCF-style: chr14-51060611-C-G.
Other names: c.570C>G, p.Leu190= (NM_001127713.1, NM_181598.4).
Identifiers: ClinVar variation 538584 (VCV000538584.21), dbSNP rs202173614, ClinGen allele CA7180266.

ClinVar aggregate classification (germline): Benign/Likely benign. Review status: criteria provided, multiple submitters, no conflicts (2 of 4 stars). 6 submissions from 5 submitters: Benign (4); Likely benign (2). Last evaluated 2025-10-07.

Conditions:
Neuropathy, hereditary sensory, type 1D. Identifiers: Orphanet 36386, MedGen C3150972, MONDO:0013381, OMIM 613708.
Hereditary spastic paraplegia. Also called: Familial spastic paraparesis. Identifiers: Orphanet 685, MedGen C0037773, MONDO:0019064. Disease mechanism: loss of function.
Hereditary spastic paraplegia 3A (SPG3A). Also called: SPASTIC PARAPLEGIA 3, AUTOSOMAL DOMINANT; FAMILIAL SPASTIC PARAPLEGIA, AUTOSOMAL DOMINANT, 1; SPG3; STRUMPELL DISEASE; Spastic Paraplegia 3A; Spastic paraplegia 3A, autosomal dominant. Identifiers: Orphanet 100984, MedGen C2931355, MONDO:0008437, OMIM 182600.

Allele frequency attached by ClinVar (database versions not stated): gnomAD 0.00004 and 0.00009; TOPMed 0.00006; 1000 Genomes Project 30x 0.00016; 1000 Genomes Project 0.00020.
gnomAD v4.1: 262 of 1,604,762 alleles (0.016%); highest among the groups gnomAD compares: East Asian, 0.57%; 2 homozygotes.

Submissions (6):

Labcorp Genetics (formerly Invitae), Labcorp
Classification: Benign for Hereditary spastic paraplegia 3A. Last evaluated: 2025-10-07. Review status: criteria provided, single submitter. Criteria: Invitae Variant Classification Sherloc (09022015). Collection method: clinical testing. Allele origin: germline.

Blueprint Genetics
Classification: Likely benign. Last evaluated: 2024-03-19. Review status: criteria provided, single submitter. Criteria: ACMG Guidelines, 2015. Collection method: clinical testing. Allele origin: germline.

Genome-Nilou Lab
Classification: Benign for Neuropathy, hereditary sensory, type 1D. Last evaluated: 2021-12-05. Review status: criteria provided, single submitter. Criteria: ACMG Guidelines, 2015. Collection method: clinical testing. Allele origin: germline. Affected: no.

Genome-Nilou Lab
Classification: Benign for Hereditary spastic paraplegia 3A. Last evaluated: 2021-12-05. Review status: criteria provided, single submitter. Criteria: ACMG Guidelines, 2015. Collection method: clinical testing. Allele origin: germline. Affected: no.

Genome Diagnostics Laboratory, The Hospital for Sick Children
Classification: Likely benign for Hereditary spastic paraplegia. Last evaluated: 2021-02-24. Review status: criteria provided, single submitter. Criteria: ACMG Guidelines, 2015. Collection method: clinical testing. Allele origin: germline. Affected: yes.

Illumina Laboratory Services, Illumina
Classification: Benign for Hereditary spastic paraplegia 3A. Last evaluated: 2018-01-13. Review status: criteria provided, single submitter. Criteria: ICSL Variant Classification Criteria 13 December 2019. Collection method: clinical testing. Allele origin: germline.
Comment: This variant was observed in the ICSL laboratory as part of a predisposition screen in an ostensibly healthy population. It had not been previously curated by ICSL or reported in the Human Gene Mutation Database (HGMD: prior to June 1st, 2018), and was therefore a candidate for classification through an automated scoring system. Utilizing variant allele frequency, disease prevalence and penetrance estimates, and inheritance mode, an automated score was calculated to assess if this variant is too frequent to cause the disease. Based on the score and internal cut-off values, a variant classified as benign is not then subjected to further curation. The score for this variant resulted in a classification of benign for this disease.